The following is an entry in ClinVar:

ClinVar aggregate classification (germline): Conflicting classifications of pathogenicity. Review status: criteria provided, conflicting classifications (1 of 4 stars). 3 submissions from 3 submitters: Uncertain significance (1); Likely benign (2). Last evaluated 2025-10-10.

Conditions:
Arthrogryposis, Perthes disease, and upward gaze palsy. Identifiers: MedGen C3280309, MONDO:0013660, OMIM 614262.

Allele frequency attached by ClinVar (database versions not stated): gnomAD exomes 0.00014 and 0.00037; ExAC 0.00048; 1000 Genomes Project 30x 0.00141; gnomAD 0.00152 and 0.00168; ESP Exome Variant Server 0.00154; 1000 Genomes Project 0.00160; TOPMed 0.00167.
gnomAD v4.1: 441 of 1,611,122 alleles (0.027%); highest among the groups gnomAD compares: African/African-American, 0.52%; 1 homozygote.

Submissions (4):

Women's Health and Genetics/Laboratory Corporation of America, LabCorp
Classification: Likely benign. Last evaluated: 2025-10-10. Review status: criteria provided, single submitter. Criteria: LabCorp Variant Classification Summary - May 2015. Collection method: clinical testing. Allele origin: germline.

Blueprint Genetics
Classification: Likely benign. Last evaluated: 2024-11-06. Review status: criteria provided, single submitter. Criteria: ACMG Guidelines, 2015. Collection method: clinical testing. Allele origin: germline.

Baylor Genetics
Classification: Uncertain significance for Arthrogryposis, Perthes disease, and upward gaze palsy. Last evaluated: 2018-03-02. Review status: criteria provided, single submitter. Criteria: ACMG Guidelines, 2015. Collection method: clinical testing. Allele origin: paternal. Affected: yes.
Comment: This variant was determined to be of uncertain significance according to ACMG Guidelines, 2015 [PMID:25741868].

Dr. Peter K. Rogan Lab, Western University
No classification provided (evidence only). Condition: Uterine corpus endometrial carcinoma. Review status: no classification provided. Collection method: in vitro. Allele origin: not applicable. Functional consequence: retained intron. Not counted in ClinVar's aggregate classification.

NM_033116.6(NEK9):c.762+10C>T

Gene: NEK9 (NIMA related kinase 9; minus strand). Cytogenetic location: 14q24.3.
Variant type: single nucleotide variant.
Coding change: c.762+10C>T on transcript NM_033116.6 (MANE Select); 10 bases into the intron after coding-DNA position 762, C replaced by T.
Molecular consequence: intron variant.
Genome position (GRCh38, 1-based): chr14:75,117,185, G>A on the plus strand (C>T on the coding strand, the complement: NEK9 is on the minus strand). VCF-style: chr14-75117185-G-A. GRCh37 (hg19) VCF-style: chr14-75583888-G-A.
Other names: NC_000014.8:g.75583888G>A; c.408+10C>T (NM_001329238.2); c.762+10C>T (NM_001329237.2).
Identifiers: ClinVar variation 1031552 (VCV001031552.4), dbSNP rs111316318, ClinGen allele CA7277166.